The following is an entry in ClinVar:

ClinVar aggregate classification (germline): Uncertain significance (1 of 4 stars; one submission).

Conditions:
Severe combined immunodeficiency due to IKK2 deficiency. Also called: Immunodeficiency 15; IMMUNODEFICIENCY 15B. Identifiers: Orphanet 397787, MedGen C4747743, MONDO:0014267, OMIM 615592.

Allele frequency attached by ClinVar (database versions not stated): gnomAD exomes below 0.00001; TOPMed below 0.00001; gnomAD 0.00001.
gnomAD v4.1: 3 of 1,614,074 alleles (0.00019%); highest among the groups gnomAD compares: Admixed American, 0.0017%; no homozygotes.

Submission:

Labcorp Genetics (formerly Invitae), Labcorp
Classification: Uncertain significance for Severe combined immunodeficiency due to IKK2 deficiency. Last evaluated: 2019-09-26. Review status: criteria provided, single submitter. Criteria: Invitae Variant Classification Sherloc (09022015). Collection method: clinical testing. Allele origin: germline.
Comment: In summary, the available evidence is currently insufficient to determine the role of this variant in disease. Therefore, it has been classified as a Variant of Uncertain Significance. Algorithms developed to predict the effect of sequence changes on RNA splicing suggest that this variant may create or strengthen a splice site, but this prediction has not been confirmed by published transcriptional studies. This variant has been reported not to substantially affect IKBKB protein function (PMID: 30335863). This variant has not been reported in the literature in individuals with IKBKB-related conditions. This variant is not present in population databases (ExAC no frequency). This sequence change replaces lysine with arginine at codon 301 of the IKBKB protein (p.Lys301Arg). The lysine residue is moderately conserved and there is a small physicochemical difference between lysine and arginine.

Literature cited by the submitters: PubMed 30335863.

NM_001556.3(IKBKB):c.902A>G (p.Lys301Arg)

Gene: IKBKB (inhibitor of nuclear factor kappa B kinase subunit beta; plus strand). Cytogenetic location: 8p11.21.
Variant type: single nucleotide variant.
Coding change: c.902A>G on transcript NM_001556.3 (MANE Select); coding-DNA position 902, A replaced by G.
Protein change: p.Lys301Arg; replaces lysine 301 with arginine.
Molecular consequence: missense variant. On other transcripts: non-coding transcript variant (3).
Genome position (GRCh38, 1-based): chr8:42,316,311, A>G. VCF-style: chr8-42316311-A-G. GRCh37 (hg19) VCF-style: chr8-42173829-A-G.
Other names: c.710A>G, p.Lys237Arg (NM_001190720.3); c.725A>G, p.Lys242Arg (NM_001242778.2); short protein forms K237R, K301R, K242R.
Identifiers: ClinVar variation 942468 (VCV000942468.7), dbSNP rs1304501516, ClinGen allele CA371084423.